The following is an entry in ClinVar:

NM_000487.6(ARSA):c.842C>T (p.Thr281Ile)

Gene: ARSA (arylsulfatase A; minus strand). Cytogenetic location: 22q13.33.
Variant type: single nucleotide variant.
Coding change: c.842C>T on transcript NM_000487.6 (MANE Select); coding-DNA position 842, C replaced by T.
Protein change: p.Thr281Ile; replaces threonine 281 with isoleucine.
Molecular consequence: missense variant.
Genome position (GRCh38, 1-based): chr22:50,626,603, G>A on the plus strand (C>T on the coding strand, the complement: ARSA is on the minus strand). VCF-style: chr22-50626603-G-A. GRCh37 (hg19) VCF-style: chr22-51065031-G-A.
Other names: c.842C>T, p.Thr281Ile (NM_001085425.3, NM_001085426.3, NM_001085427.3); c.584C>T, p.Thr195Ile (NM_001085428.3, NM_001362782.2); short protein forms T195I, T281I.
Identifiers: ClinVar variation 1323931 (VCV001323931.14), dbSNP rs966673017, ClinGen allele CA325531453.

ClinVar aggregate classification (germline): Pathogenic/Likely pathogenic. Review status: criteria provided, multiple submitters, no conflicts (2 of 4 stars). 4 submissions from 4 submitters: Pathogenic (1); Likely pathogenic (3). Last evaluated 2025-10-13.

Conditions:
Metachromatic leukodystrophy (MLD). Also called: Cerebral sclerosis diffuse metachromatic form; METACHROMATIC LEUKOENCEPHALOPATHY; Arylsulfatase A Deficiency; ARSA DEFICIENCY; CEREBROSIDE SULFATASE DEFICIENCY; SULFATIDE LIPIDOSIS. Identifiers: Orphanet 512, MedGen C0023522, MONDO:0018868, OMIM 250100.

Allele frequency attached by ClinVar (database versions not stated): TOPMed 0.00002.

Submissions (4):

Women's Health and Genetics/Laboratory Corporation of America, LabCorp
Classification: Likely pathogenic for Metachromatic leukodystrophy. Last evaluated: 2025-10-13. Review status: criteria provided, single submitter. Criteria: LabCorp Variant Classification Summary - May 2015. Collection method: clinical testing. Allele origin: germline.
Comment: Variant summary: ARSA c.842C>T (p.Thr281Ile) results in a non-conservative amino acid change in the encoded protein sequence. Algorithms developed to predict the effect of missense changes on protein structure and function all suggest that this variant is likely to be disruptive. The variant was absent in 250456 control chromosomes. c.842C>T has been reported in the literature in two siblings affected with Metachromatic Leukodystrophy (Kumperscak_2007). These data indicate that the variant may be associated with disease. At least one publication reports experimental evidence evaluating an impact on protein function (Trinidad_2023). The most pronounced variant effect results in 31.9% of normal activity, but this level of activity was stated to be unlikely to result in clinical manifestations, and thus does not allow convincing conclusions about the variant effect. The following publications have been ascertained in the context of this evaluation (PMID: 17413447, 37480112). ClinVar contains an entry for this variant (Variation ID: 1323931). Based on the evidence outlined above, the variant was classified as likely pathogenic.

Labcorp Genetics (formerly Invitae), Labcorp
Classification: Pathogenic for Metachromatic leukodystrophy. Last evaluated: 2024-02-19. Review status: criteria provided, single submitter. Criteria: Invitae Variant Classification Sherloc (09022015). Collection method: clinical testing. Allele origin: germline.
Comment: This sequence change replaces threonine, which is neutral and polar, with isoleucine, which is neutral and non-polar, at codon 281 of the ARSA protein (p.Thr281Ile). This variant is not present in population databases (gnomAD no frequency). This missense change has been observed in individual(s) with metachromatic leukodystrophy (PMID: 17413447). In at least one individual the data is consistent with being in trans (on the opposite chromosome) from a pathogenic variant. It has also been observed to segregate with disease in related individuals. This variant is also known as p.Thr279Ileu. ClinVar contains an entry for this variant (Variation ID: 1323931). Advanced modeling of protein sequence and biophysical properties (such as structural, functional, and spatial information, amino acid conservation, physicochemical variation, residue mobility, and thermodynamic stability) performed at Invitae indicates that this missense variant is expected to disrupt ARSA protein function with a positive predictive value of 95%. For these reasons, this variant has been classified as Pathogenic.

Neuberg Centre For Genomic Medicine, NCGM
Classification: Likely pathogenic for Metachromatic leukodystrophy. Last evaluated: 2023-07-22. Review status: criteria provided, single submitter. Criteria: ACMG Guidelines, 2015. Collection method: clinical testing. Allele origin: germline. Inheritance: Autosomal recessive inheritance. Affected: yes.
Comment: The observed missense variant c.842C>Tp.Thr281Ile in ARSA gene has been reported previously in a family with metachromatic leukodystrophy Kumperscak HG, et al., 2007. The p.Thr281Ile variant is absent in gnomAD Exomes. This variant has been reported to the ClinVar database as Pathogenic/Likely Pathogenic. Multiple lines of computational evidence SIFT-damaging and Mutation Taster-disease causing predict a damaging effect on protein structure and function for this variant. The amino acid Thr at position 281 is changed to a Ile changing protein sequence and it might alter its composition and physico-chemical properties. The reference amino acid p.Thr281Ile in ARSA is predicted as conserved by GERP++ and PhyloP across 100 vertebrates. However, study on multiple affected individuals and functional impact of the variant is not available. For these reasons, this variant has been classified as variant of Likely Pathogenic.

Revvity Omics, Revvity
Classification: Likely pathogenic for Metachromatic leukodystrophy. Last evaluated: 2020-10-30. Review status: criteria provided, single submitter. Criteria: ACMG Guidelines, 2015. Collection method: clinical testing. Allele origin: germline.

Literature cited by the submitters: PubMed 37480112 (cited by Women's Health and Genetics/Laboratory Corporation of America, LabCorp); PubMed 17413447 (cited by Women's Health and Genetics/Laboratory Corporation of America, LabCorp and Labcorp Genetics (formerly Invitae), Labcorp).